The following is an entry in ClinVar:

ClinVar aggregate classification (germline): Uncertain significance (1 of 4 stars; one submission).

Conditions:
Arrhythmogenic right ventricular dysplasia 13. Also called: ARRHYTHMOGENIC RIGHT VENTRICULAR CARDIOMYOPATHY 13; Arrhythmogenic right ventricular dysplasia, familial, 13. Identifiers: MedGen C3810138, MONDO:0000908, OMIM 615616.

Submission:

Labcorp Genetics (formerly Invitae), Labcorp
Classification: Uncertain significance for Arrhythmogenic right ventricular dysplasia 13. Last evaluated: 2021-08-11. Review status: criteria provided, single submitter. Criteria: Invitae Variant Classification Sherloc (09022015). Collection method: clinical testing. Allele origin: germline.
Comment: This variant results in a copy number gain of the genomic region encompassing exon(s) 2-10 of the CTNNA3 gene. This region includes the initiator codon of the gene. This copy number gain extends beyond the assayed region for this gene and therefore may encompass additional genes. As the precise location of this event is unknown, it may be in tandem or it may be located elsewhere in the genome. This variant has not been reported in the literature in individuals affected with CTNNA3-related conditions. Experimental studies and prediction algorithms are not available or were not evaluated, and the functional significance of this variant is currently unknown. In summary, the available evidence is currently insufficient to determine the role of this variant in disease. Therefore, it has been classified as a Variant of Uncertain Significance.

NC_000010.10:g.(?_68381430)_(69407271_?)dup

Genes: CTNNA3 (catenin alpha 3; minus strand), LRRTM3 (leucine rich repeat transmembrane neuronal 3; plus strand). Cytogenetic location: 10q21.3.
Variant type: Duplication.
Identifiers: ClinVar variation 1429897 (VCV001429897.4).